The following is an entry in ClinVar:

NM_174936.4(PCSK9):c.501G>C (p.Arg167=)

Gene: PCSK9 (proprotein convertase subtilisin/kexin type 9; plus strand). Cytogenetic location: 1p32.3.
Variant type: single nucleotide variant.
Coding change: c.501G>C on transcript NM_174936.4 (MANE Select); coding-DNA position 501, G replaced by C.
Protein change: p.Arg167=; no amino-acid change (arginine 167 retained).
Molecular consequence: synonymous variant. On other transcripts: non-coding transcript variant (6).
Genome position (GRCh38, 1-based): chr1:55,046,624, G>C. VCF-style: chr1-55046624-G-C. GRCh37 (hg19) VCF-style: chr1-55512297-G-C.
Other names: c.624G>C, p.Arg208= (NM_001407240.1); c.501G>C, p.Arg167= (NM_001407241.1, NM_001407242.1, NM_001407244.1 and 1 more transcripts); c.444G>C, p.Arg148= (NM_001407243.1); c.309G>C, p.Arg103= (NM_001407245.1); c.126G>C, p.Arg42= (NM_001407246.1).
Identifiers: ClinVar variation 3392984 (VCV003392984.1).

ClinVar aggregate classification (germline): Likely benign (1 of 4 stars; one submission).

Conditions:
Familial hypercholesterolemia. Also called: Familial hypercholesterolaemia. Identifiers: MedGen C0020445, MONDO:0005439.

Submission:

GENinCode PLC
Classification: Likely benign for Familial hypercholesterolemia. Last evaluated: 2024-05-03. Review status: criteria provided, single submitter. Criteria: ACMG Guidelines, 2015. Collection method: clinical testing. Allele origin: germline.
Comment: This is a synonymous (silent) variant that is not predicted by SpliceAI to impact splicing. In addition, it occurs at a nucleotide that is not conserved. Therefore this variant has been classified as Likely Benign (BP4, BP7).